The following is an entry in ClinVar:

ClinVar aggregate classification (germline): Uncertain significance. Review status: criteria provided, multiple submitters, no conflicts (2 of 4 stars). 2 submissions from 2 submitters: Uncertain significance (2). Last evaluated 2023-06-29.

Allele frequency attached by ClinVar (database versions not stated): gnomAD exomes below 0.00001.
gnomAD v4.1: 2 of 1,613,920 alleles (0.00012%); highest among the groups gnomAD compares: East Asian, 0.0022%; no homozygotes.

Submissions (2):

Labcorp Genetics (formerly Invitae), Labcorp
Classification: Uncertain significance. Last evaluated: 2023-06-29. Review status: criteria provided, single submitter. Criteria: Invitae Variant Classification Sherloc (09022015). Collection method: clinical testing. Allele origin: germline.
Comment: ClinVar contains an entry for this variant (Variation ID: 1686592). In summary, the available evidence is currently insufficient to determine the role of this variant in disease. Therefore, it has been classified as a Variant of Uncertain Significance. Advanced modeling of protein sequence and biophysical properties (such as structural, functional, and spatial information, amino acid conservation, physicochemical variation, residue mobility, and thermodynamic stability) has been performed at Invitae for this missense variant, however the output from this modeling did not meet the statistical confidence thresholds required to predict the impact of this variant on COL7A1 protein function. This variant has not been reported in the literature in individuals affected with COL7A1-related conditions. This variant is not present in population databases (gnomAD no frequency). This sequence change replaces proline, which is neutral and non-polar, with serine, which is neutral and polar, at codon 1805 of the COL7A1 protein (p.Pro1805Ser).

Mendelics
Classification: Uncertain significance. Last evaluated: 2022-05-04. Review status: criteria provided, single submitter. Criteria: Mendelics Assertion Criteria 2019. Collection method: clinical testing. Allele origin: germline.

NM_000094.4(COL7A1):c.5413C>T (p.Pro1805Ser)

Genes: COL7A1 (collagen type VII alpha 1 chain; minus strand), MIR711 (microRNA 711; minus strand). Cytogenetic location: 3p21.31.
Variant type: single nucleotide variant.
Coding change: c.5413C>T on transcript NM_000094.4 (MANE Select); coding-DNA position 5413, C replaced by T.
Protein change: p.Pro1805Ser; replaces proline 1805 with serine.
Molecular consequence: missense variant. On other transcripts: non-coding transcript variant (1).
Genome position (GRCh38, 1-based): chr3:48,578,930, G>A on the plus strand (C>T on the coding strand, the complement: COL7A1 is on the minus strand). VCF-style: chr3-48578930-G-A. GRCh37 (hg19) VCF-style: chr3-48616363-G-A.
Other names: short protein forms P1805S.
Identifiers: ClinVar variation 1686592 (VCV001686592.4), dbSNP rs2107694745, ClinGen allele CA352673553.